The following is an entry in ClinVar:

NM_019098.5(CNGB3):c.1432C>T (p.Arg478Ter)

Gene: CNGB3 (cyclic nucleotide gated channel subunit beta 3; minus strand). Cytogenetic location: 8q21.3.
Variant type: single nucleotide variant.
Coding change: c.1432C>T on transcript NM_019098.5 (MANE Select); coding-DNA position 1432, C replaced by T.
Protein change: p.Arg478Ter; replaces arginine 478 with a stop codon.
Molecular consequence: nonsense.
Genome position (GRCh38, 1-based): chr8:86,628,967, G>A on the plus strand (C>T on the coding strand, the complement: CNGB3 is on the minus strand). VCF-style: chr8-86628967-G-A. GRCh37 (hg19) VCF-style: chr8-87641195-G-A.
Other names: short protein forms R478*.
Identifiers: ClinVar variation 427692 (VCV000427692.18), dbSNP rs201320564, ClinGen allele CA4800028.

ClinVar aggregate classification (germline): Pathogenic. Review status: criteria provided, multiple submitters, no conflicts (2 of 4 stars). 7 submissions from 7 submitters: Pathogenic (5). 2 of the submissions do not count toward it. Last evaluated 2026-01-19.

Conditions:
CNGB3-related disorder. Also called: CNGB3-related condition; CNGB3-related disorders. Identifiers: MedGen CN239340.
Achromatopsia 3 (ACHM3). Also called: ACHROMATOPSIA WITH MYOPIA; PINGELAPESE BLINDNESS; TOTAL COLORBLINDNESS WITH MYOPIA; ROD MONOCHROMACY 1; ROD MONOCHROMATISM 1. Identifiers: Orphanet 49382, MedGen C1849792, MONDO:0009875, OMIM 262300.
Achromatopsia. Also called: Rod monochromatism. Identifiers: Orphanet 49382, MedGen C0152200, MONDO:0018852, HP:0011516.

Allele frequency attached by ClinVar (database versions not stated): ExAC 0.00001; gnomAD 0.00002 and 0.00003; gnomAD exomes 0.00002; TOPMed 0.00005; ESP Exome Variant Server 0.00008.
gnomAD v4.1: 24 of 1,613,762 alleles (0.0015%); highest among the groups gnomAD compares: African/African-American, 0.0053%; no homozygotes.

Submissions (7):

Labcorp Genetics (formerly Invitae), Labcorp
Classification: Pathogenic. Last evaluated: 2026-01-19. Review status: criteria provided, single submitter. Criteria: Invitae Variant Classification Sherloc (09022015). Collection method: clinical testing. Allele origin: germline.
Comment: This sequence change creates a premature translational stop signal (p.Arg478*) in the CNGB3 gene. It is expected to result in an absent or disrupted protein product. Loss-of-function variants in CNGB3 are known to be pathogenic (PMID: 28795510). This variant is present in population databases (rs201320564, gnomAD 0.01%). This premature translational stop signal has been observed in individuals with achromatopsia (PMID: 15657609, 28795510). ClinVar contains an entry for this variant (Variation ID: 427692). Algorithms developed to predict the effect of sequence changes on RNA splicing suggest that this variant may disrupt the consensus splice site. For these reasons, this variant has been classified as Pathogenic.

Natera, Inc.
Classification: Pathogenic for Achromatopsia. Last evaluated: 2026-01-15. Review status: criteria provided, single submitter. Criteria: Natera Variant Classification Schema (03/2026). Collection method: clinical testing. Allele origin: germline.
Comment: The c.1432C>T variant in CNGB3 is a nonsense variant predicted to introduce a stop codon at amino acid 478. This variant is expected to result in nonsense mediated decay, truncation, or a dysfunctional protein product. This variant is rare in the general population with a frequency below the threshold expected for the associated phenotype(s). This variant has been observed in one or more individuals affected with the associated recessive disease, as either homozygous or compound heterozygous with a second variant (PMID: 28795510). Additionally, this variant has been observed to segregate in affected family members (PMID: 28795510). Given the available evidence, this variant is classified as Pathogenic.

Revvity Omics, Revvity
Classification: Pathogenic for Achromatopsia 3. Last evaluated: 2024-06-04. Review status: criteria provided, single submitter. Criteria: ACMG Guidelines, 2015. Collection method: clinical testing. Allele origin: germline.

Blueprint Genetics
Classification: Pathogenic for CNGB3-related disorders. Last evaluated: 2019-07-12. Review status: criteria provided, single submitter. Criteria: ACMG Guidelines, 2015. Collection method: clinical testing. Allele origin: germline. Affected: yes. Observed: 4 variant alleles.

Juno Genomics, Hangzhou Juno Genomics, Inc
Classification: Pathogenic for Achromatopsia 3. Review status: criteria provided, single submitter. Criteria: ACMG Guidelines, 2015. Collection method: clinical testing. Allele origin: germline.
Comment: Absent from controls (or at extremely low frequency if recessive) in Genome Aggregation Database.;Null variant in a gene where loss of function (LOF) is a known mechanism of disease.;For recessive disorders, detected in trans with a pathogenic variant.;Co-segregation with disease in multiple affected family members.

Department of Clinical Genetics, Copenhagen University Hospital, Rigshospitalet
Classification: Pathogenic for Achromatopsia. Last evaluated: 2018-04-01. Review status: no assertion criteria provided. Collection method: research. Allele origin: unknown. Affected: yes. Study: VeluxRD. Not counted in ClinVar's aggregate classification.

Molecular Genetics Laboratory, Institute for Ophthalmic Research
Classification: Pathogenic for ACHM3. Last evaluated: 2017-03-27. Review status: no assertion criteria provided. Collection method: research. Allele origin: germline. Affected: yes. Not counted in ClinVar's aggregate classification.

Literature cited by the submitters: PubMed 28795510 (cited by 3 submitters); PubMed 15657609 (cited by Labcorp Genetics (formerly Invitae), Labcorp); PubMed 30718709 (cited by Department of Clinical Genetics, Copenhagen University Hospital, Rigshospitalet).